The following is an entry in ClinVar:

ClinVar aggregate classification (germline): Uncertain significance (1 of 4 stars; one submission).

Allele frequency attached by ClinVar (database versions not stated): gnomAD exomes below 0.00001.

Submission:

Labcorp Genetics (formerly Invitae), Labcorp
Classification: Uncertain significance. Last evaluated: 2022-04-12. Review status: criteria provided, single submitter. Criteria: Invitae Variant Classification Sherloc (09022015). Collection method: clinical testing. Allele origin: germline.
Comment: This sequence change replaces serine, which is neutral and polar, with leucine, which is neutral and non-polar, at codon 711 of the PDE2A protein (p.Ser711Leu). In summary, the available evidence is currently insufficient to determine the role of this variant in disease. Therefore, it has been classified as a Variant of Uncertain Significance. Algorithms developed to predict the effect of missense changes on protein structure and function are either unavailable or do not agree on the potential impact of this missense change (SIFT: "Deleterious"; PolyPhen-2: "Possibly Damaging"; Align-GVGD: "Class C0"). This variant has not been reported in the literature in individuals affected with PDE2A-related conditions. This variant is present in population databases (no rsID available, gnomAD 0.0009%).

NM_002599.5(PDE2A):c.2132C>T (p.Ser711Leu)

Gene: PDE2A (phosphodiesterase 2A; minus strand). Cytogenetic location: 11q13.4.
Variant type: single nucleotide variant.
Coding change: c.2132C>T on transcript NM_002599.5 (MANE Select); coding-DNA position 2132, C replaced by T.
Protein change: p.Ser711Leu; replaces serine 711 with leucine.
Molecular consequence: missense variant.
Genome position (GRCh38, 1-based): chr11:72,580,887, G>A on the plus strand (C>T on the coding strand, the complement: PDE2A is on the minus strand). VCF-style: chr11-72580887-G-A. GRCh37 (hg19) VCF-style: chr11-72291931-G-A.
Other names: c.2111C>T, p.Ser704Leu (NM_001143839.4); c.2105C>T, p.Ser702Leu (NM_001146209.3); c.2069C>T, p.Ser690Leu (NM_001243784.2); short protein forms S711L, S702L, S704L, S690L.
Identifiers: ClinVar variation 2124875 (VCV002124875.4), dbSNP rs1425328335, ClinGen allele CA381752177.
Genomic context (GRCh38, chr11:72,580,887, plus strand): 5'-GGATGAGACTCCCAGACACCCCATGGAGGGTCCCCACTGTGAGCAGGGCAGGGTCTTACC[G>A]AGGCCACCTGGAAAGAGTTGTTTGTGCCTCTGTGGTCCAGGTCATGACACATGCAGGAAA-3'
Protein context (NP_002590.1, residues 701-721): RGTNNSFQVA[Ser711Leu]KSVLAALYSS